The following is an entry in ClinVar:

NM_000419.5(ITGA2B):c.1762G>C (p.Asp588His)

Gene: ITGA2B (integrin subunit alpha 2b; minus strand). Cytogenetic location: 17q21.31.
Variant type: single nucleotide variant.
Coding change: c.1762G>C on transcript NM_000419.5 (MANE Select); coding-DNA position 1762, G replaced by C.
Protein change: p.Asp588His; replaces aspartic acid 588 with histidine.
Molecular consequence: missense variant.
Genome position (GRCh38, 1-based): chr17:44,379,805, C>G on the plus strand (G>C on the coding strand, the complement: ITGA2B is on the minus strand). VCF-style: chr17-44379805-C-G. GRCh37 (hg19) VCF-style: chr17-42457173-C-G.
Other names: short protein forms D588H.
Identifiers: ClinVar variation 891090 (VCV000891090.7), dbSNP rs773196676, ClinGen allele CA8602945.

ClinVar aggregate classification (germline): Uncertain significance. Review status: criteria provided, multiple submitters, no conflicts (2 of 4 stars). 2 submissions from 2 submitters: Uncertain significance (2). Last evaluated 2023-01-15.

Conditions:
Glanzmann thrombasthenia. Also called: BLEEDING DISORDER, PLATELET-TYPE, 2; THROMBASTHENIA OF GLANZMANN AND NAEGELI; PLATELET GLYCOPROTEIN IIb-IIIa DEFICIENCY; Thrombasthenia; Glanzmann's thrombasthenia. Identifiers: Orphanet 849, MedGen C0040015, MONDO:0100326.

Allele frequency attached by ClinVar (database versions not stated): TOPMed below 0.00001; gnomAD 0.00001; gnomAD exomes 0.00001 and 0.00002; ExAC 0.00002.
gnomAD v4.1: 8 of 1,613,776 alleles (0.0005%); highest among the groups gnomAD compares: Non-Finnish European, 0.00068%; no homozygotes.

Submissions (2):

Labcorp Genetics (formerly Invitae), Labcorp
Classification: Uncertain significance for Glanzmann thrombasthenia. Last evaluated: 2023-01-15. Review status: criteria provided, single submitter. Criteria: Invitae Variant Classification Sherloc (09022015). Collection method: clinical testing. Allele origin: germline.
Comment: This sequence change replaces aspartic acid, which is acidic and polar, with histidine, which is basic and polar, at codon 588 of the ITGA2B protein (p.Asp588His). This variant is present in population databases (rs773196676, gnomAD 0.004%). This variant has not been reported in the literature in individuals affected with ITGA2B-related conditions. ClinVar contains an entry for this variant (Variation ID: 891090). Advanced modeling of protein sequence and biophysical properties (such as structural, functional, and spatial information, amino acid conservation, physicochemical variation, residue mobility, and thermodynamic stability) performed at Invitae indicates that this missense variant is not expected to disrupt ITGA2B protein function. In summary, the available evidence is currently insufficient to determine the role of this variant in disease. Therefore, it has been classified as a Variant of Uncertain Significance.

Illumina Laboratory Services, Illumina
Classification: Uncertain significance for Glanzmann thrombasthenia 1. Last evaluated: 2018-01-12. Review status: criteria provided, single submitter. Criteria: ICSL Variant Classification Criteria 13 December 2019. Collection method: clinical testing. Allele origin: germline.